The following is an entry in ClinVar:

NM_001375834.1(WIPF1):c.776C>T (p.Ala259Val)

Gene: WIPF1 (WAS/WASL interacting protein family member 1; minus strand). Cytogenetic location: 2q31.1.
Variant type: single nucleotide variant.
Coding change: c.776C>T on transcript NM_001375834.1 (MANE Select); coding-DNA position 776, C replaced by T.
Protein change: p.Ala259Val; replaces alanine 259 with valine.
Molecular consequence: missense variant.
Genome position (GRCh38, 1-based): chr2:174,572,029, G>A on the plus strand (C>T on the coding strand, the complement: WIPF1 is on the minus strand). VCF-style: chr2-174572029-G-A. GRCh37 (hg19) VCF-style: chr2-175436757-G-A.
Other names: p.Ala259Val; c.776C>T, p.Ala259Val (NM_001077269.1, NM_001375832.1, NM_001375833.1 and 5 more transcripts); c.398C>T, p.Ala133Val (NM_001375839.1); short protein forms A259V, A133V.
Identifiers: ClinVar variation 644656 (VCV000644656.12), dbSNP rs139003789, ClinGen allele CA1974061.

ClinVar aggregate classification (germline): Uncertain significance. Review status: criteria provided, multiple submitters, no conflicts (2 of 4 stars). 3 submissions from 3 submitters: Uncertain significance (3). Last evaluated 2025-04-01.

Conditions:
Inborn genetic diseases. Identifiers: MedGen C0950123, MeSH D030342.
Wiskott-Aldrich syndrome 2 (WAS2). Also called: WIPF1 DEFICIENCY. Identifiers: Orphanet 906, MedGen C3281001, MONDO:0013779, OMIM 614493.

Allele frequency attached by ClinVar (database versions not stated): ESP Exome Variant Server 0.00031; gnomAD exomes 0.00035 and 0.00048; ExAC 0.00065; gnomAD 0.00026 and 0.00027; TOPMed 0.00020.
gnomAD v4.1: 522 of 1,548,752 alleles (0.034%); highest among the groups gnomAD compares: Non-Finnish European, 0.037%; no homozygotes.

Submissions (3):

Mayo Clinic Laboratories, Mayo Clinic
Classification: Uncertain significance. Last evaluated: 2025-04-01. Review status: criteria provided, single submitter. Criteria: ACMG Guidelines, 2015. Collection method: clinical testing. Allele origin: germline. Observed: 2 variant alleles.
Comment: BP4_moderate

Ambry Genetics
Classification: Uncertain significance for Inborn genetic diseases. Last evaluated: 2025-01-17. Review status: criteria provided, single submitter. Criteria: Ambry Variant Classification Scheme 2023. Collection method: clinical testing. Allele origin: germline.

Labcorp Genetics (formerly Invitae), Labcorp
Classification: Uncertain significance for Wiskott-Aldrich syndrome 2. Last evaluated: 2022-08-15. Review status: criteria provided, single submitter. Criteria: Invitae Variant Classification Sherloc (09022015). Collection method: clinical testing. Allele origin: germline.
Comment: This sequence change replaces alanine with valine at codon 259 of the WIPF1 protein (p.Ala259Val). The alanine residue is moderately conserved and there is a small physicochemical difference between alanine and valine. This variant is present in population databases (rs139003789, gnomAD 0.1%), and has an allele count higher than expected for a pathogenic variant. This variant has not been reported in the literature in individuals affected with WIPF1-related conditions. ClinVar contains an entry for this variant (Variation ID: 644656). Algorithms developed to predict the effect of missense changes on protein structure and function are either unavailable or do not agree on the potential impact of this missense change (SIFT: "Not Available"; PolyPhen-2: "Probably Damaging"; Align-GVGD: "Not Available"). In summary, the available evidence is currently insufficient to determine the role of this variant in disease. Therefore, it has been classified as a Variant of Uncertain Significance.